The following is an entry in ClinVar:

ClinVar aggregate classification (germline): Likely benign (0 of 4 stars; one submission).

Conditions:
TRIOBP-related disorder. Also called: TRIOBP-related condition.

Allele frequency attached by ClinVar (database versions not stated): gnomAD exomes 0.00001; TOPMed 0.00001; ExAC 0.00006.
gnomAD v4.1: 8 of 1,613,936 alleles (0.0005%); highest among the groups gnomAD compares: East Asian, 0.018%; no homozygotes.

Submission:

PreventionGenetics, part of Exact Sciences
Classification: Likely benign for TRIOBP-related condition. Last evaluated: 2020-01-15. Review status: no assertion criteria provided. Collection method: clinical testing. Allele origin: germline.
Comment: This variant is classified as likely benign based on ACMG/AMP sequence variant interpretation guidelines (Richards et al. 2015 PMID: 25741868, with internal and published modifications).

NM_001039141.3(TRIOBP):c.1074T>C (p.Ser358=)

Gene: TRIOBP (TRIO and F-actin binding protein; plus strand). Cytogenetic location: 22q13.1.
Variant type: single nucleotide variant.
Coding change: c.1074T>C on transcript NM_001039141.3 (MANE Select); coding-DNA position 1074, T replaced by C.
Protein change: p.Ser358=; no amino-acid change (serine 358 retained).
Molecular consequence: synonymous variant.
Genome position (GRCh38, 1-based): chr22:37,723,630, T>C. VCF-style: chr22-37723630-T-C. GRCh37 (hg19) VCF-style: chr22-38119637-T-C.
Identifiers: ClinVar variation 3051307 (VCV003051307.2), dbSNP rs773343501, ClinGen allele CA10223511.